The following is an entry in ClinVar:

ClinVar aggregate classification (germline): Benign (1 of 4 stars; one submission).

Conditions:
Amyotrophic neuralgia (HNA). Also called: AMYOTROPHY, HEREDITARY NEURALGIC; Hereditary Brachial Plexus Neuropathy; Neuritis with Brachial Predilection; AMYOTROPHY, HEREDITARY NEURALGIC, WITH PREDILECTION FOR BRACHIAL PLEXUS. Identifiers: Orphanet 2901, MedGen C1834304, MONDO:0008076, OMIM 162100.

gnomAD v4.1: 47 of 1,511,288 alleles (0.0031%); highest among the groups gnomAD compares: East Asian, 0.019%; no homozygotes.

Submission:

Illumina Laboratory Services, Illumina
Classification: Benign for Amyotrophy, hereditary neuralgic. Last evaluated: 2018-01-12. Review status: criteria provided, single submitter. Criteria: ICSL Variant Classification Criteria 13 December 2019. Collection method: clinical testing. Allele origin: germline.
Comment: This variant was observed in the ICSL laboratory as part of a predisposition screen in an ostensibly healthy population. It had not been previously curated by ICSL or reported in the Human Gene Mutation Database (HGMD: prior to June 1st, 2018), and was therefore a candidate for classification through an automated scoring system. Utilizing variant allele frequency, disease prevalence and penetrance estimates, and inheritance mode, an automated score was calculated to assess if this variant is too frequent to cause the disease. Based on the score and internal cut-off values, a variant classified as benign is not then subjected to further curation. The score for this variant resulted in a classification of benign for this disease.

NM_001113491.2(SEPTIN9):c.*20C>A

Gene: SEPTIN9 (septin 9; plus strand). Cytogenetic location: 17q25.3.
Variant type: single nucleotide variant.
Coding change: c.*20C>A on transcript NM_001113491.2 (MANE Select); 20 bases downstream of the stop codon, C replaced by A.
Molecular consequence: 3 prime UTR variant.
Genome position (GRCh38, 1-based): chr17:77,498,678, C>A. VCF-style: chr17-77498678-C-A. GRCh37 (hg19) VCF-style: chr17-75494760-C-A.
Other names: c.*20C>A (NM_001113492.2, NM_001113493.2, NM_001113494.1 and 7 more transcripts).
Identifiers: ClinVar variation 325577 (VCV000325577.5), dbSNP rs373598188, ClinGen allele CA8793946.